The following is an entry in ClinVar:

ClinVar aggregate classification (germline): Uncertain significance (1 of 4 stars; one submission).

Conditions:
Early-infantile DEE. Also called: Early infantile epileptic encephalopathy; Early infantile epileptic encephalopathy with suppression bursts; Ohtahara syndrome. Identifiers: Orphanet 1934, MedGen C0393706, MONDO:0800491.

gnomAD v4.1: 1 of 1,613,726 alleles (0.000062%); highest among the groups gnomAD compares: Admixed American, 0.0017%; no homozygotes.

Submission:

Labcorp Genetics (formerly Invitae), Labcorp
Classification: Uncertain significance for Early-infantile DEE. Last evaluated: 2026-01-13. Review status: criteria provided, single submitter. Criteria: Invitae Variant Classification Sherloc (09022015). Collection method: clinical testing. Allele origin: germline.
Comment: This sequence change replaces aspartic acid, which is acidic and polar, with valine, which is neutral and non-polar, at codon 97 of the GNAO1 protein (p.Asp97Val). This variant is present in population databases (rs778669032, gnomAD 0.003%). This variant has not been reported in the literature in individuals affected with GNAO1-related conditions. Invitae Evidence Modeling of protein sequence and biophysical properties (such as structural, functional, and spatial information, amino acid conservation, physicochemical variation, residue mobility, and thermodynamic stability) has been performed for this missense variant. However, the output from this modeling did not meet the statistical confidence thresholds required to predict the impact of this variant on GNAO1 protein function. In summary, the available evidence is currently insufficient to determine the role of this variant in disease. Therefore, it has been classified as a Variant of Uncertain Significance.

NM_020988.3(GNAO1):c.290A>T (p.Asp97Val)

Gene: GNAO1 (G protein subunit alpha o1; plus strand). Cytogenetic location: 16q13.
Variant type: single nucleotide variant.
Coding change: c.290A>T on transcript NM_020988.3 (MANE Select); coding-DNA position 290, A replaced by T.
Protein change: p.Asp97Val; replaces aspartic acid 97 with valine.
Molecular consequence: missense variant.
Genome position (GRCh38, 1-based): chr16:56,276,059, A>T. VCF-style: chr16-56276059-A-T. GRCh37 (hg19) VCF-style: chr16-56309971-A-T.
Other names: c.290A>T, p.Asp97Val (NM_138736.3); short protein forms D97V.
Identifiers: ClinVar variation 4809223 (VCV004809223.1).
Genomic context (GRCh38, chr16:56,276,059, plus strand): 5'-CTATCCAGTCCCTGGCAGCCATCGTCCGGGCCATGGACACTTTGGGCATCGAATATGGTG[A>T]TAAGGAGAGAAAGGTAGGCCCCTGAGCCCATAAGCACAGCAACAAGAGGTTCTGTCTGTG-3'
Protein context (NP_066268.1, residues 87-107): AMDTLGIEYG[Asp97Val]KERKADAKMV